The following is an entry in ClinVar:

NM_020366.4(RPGRIP1):c.2465_2468dup (p.Ala824fs)

Gene: RPGRIP1 (RPGR interacting protein 1; plus strand). Cytogenetic location: 14q11.2.
Variant type: Duplication.
Coding change: c.2465_2468dup on transcript NM_020366.4 (MANE Select); coding-DNA positions 2465 to 2468, 4 bases duplicated (CATA; older notation c.2465_2468dupCATA).
Protein change: p.Ala824fs; shifts the reading frame from alanine 824.
Molecular consequence: frameshift variant. On other transcripts: intron variant (4).
Genome position (GRCh38, 1-based): chr14:21,325,928-21,325,931, CATA duplicated. VCF-style (leftmost placement, unchanged base first): chr14-21325927-C-CCATA. GRCh37 (hg19) VCF-style: chr14-21794086-C-CCATA.
Other names: c.2465_2468dupCATA (NM_020366.4); c.1391_1394dup, p.Ala466fs (NM_001377948.1); c.796+1203_796+1206dup (NM_001377949.1); c.689-1695_689-1692dup (NM_001377523.1, NM_001377950.1); c.191-1695_191-1692dup (NM_001377951.1); short protein forms A824fs, A466fs.
Identifiers: ClinVar variation 857229 (VCV000857229.15), dbSNP rs745741473, ClinGen allele CA7089268.

ClinVar aggregate classification (germline): Pathogenic. Review status: criteria provided, multiple submitters, no conflicts (2 of 4 stars). 6 submissions from 5 submitters: Pathogenic (6). Last evaluated 2024-10-16.

Conditions:
RPGRIP1-related disorder. Also called: RPGRIP1-related condition.
Cone-rod dystrophy 13 (CORD13). Identifiers: Orphanet 1872, MedGen C2750720, MONDO:0011987, OMIM 608194.
Leber congenital amaurosis 6 (LCA6). Identifiers: Orphanet 65, MedGen C1854260, MONDO:0013446, OMIM 613826.
Leber congenital amaurosis (LCA). Also called: Leber's amaurosis. Identifiers: Orphanet 65, MedGen C0339527, MeSH D057130, MONDO:0018998.

Allele frequency attached by ClinVar (database versions not stated): gnomAD exomes below 0.00001 and 0.00001; ExAC 0.00001.

Submissions (6):

Labcorp Genetics (formerly Invitae), Labcorp
Classification: Pathogenic for Leber congenital amaurosis 6; Cone-rod dystrophy 13. Last evaluated: 2024-10-16. Review status: criteria provided, single submitter. Criteria: Invitae Variant Classification Sherloc (09022015). Collection method: clinical testing. Allele origin: germline.
Comment: This sequence change creates a premature translational stop signal (p.Ala824Ilefs*11) in the RPGRIP1 gene. It is expected to result in an absent or disrupted protein product. Loss-of-function variants in RPGRIP1 are known to be pathogenic (PMID: 11528500, 23105016). This variant is present in population databases (rs745741473, gnomAD 0.01%). This variant has not been reported in the literature in individuals affected with RPGRIP1-related conditions. ClinVar contains an entry for this variant (Variation ID: 857229). For these reasons, this variant has been classified as Pathogenic.

Blueprint Genetics
Classification: Pathogenic for RPGRIP1-related disorders. Last evaluated: 2024-05-21. Review status: criteria provided, single submitter. Criteria: ACMG Guidelines, 2015. Collection method: clinical testing. Allele origin: germline. Affected: yes. Observed: 4 variant alleles.

Fulgent Genetics
Classification: Pathogenic for Cone-rod dystrophy 13; Leber congenital amaurosis 6. Last evaluated: 2024-03-13. Review status: criteria provided, single submitter. Criteria: ACMG Guidelines, 2015. Collection method: clinical testing. Allele origin: germline.

Women's Health and Genetics/Laboratory Corporation of America, LabCorp
Classification: Pathogenic for Leber congenital amaurosis. Last evaluated: 2024-03-11. Review status: criteria provided, single submitter. Criteria: LabCorp Variant Classification Summary - May 2015. Collection method: clinical testing. Allele origin: germline.
Comment: Variant summary: RPGRIP1 c.2465_2468dupCATA (p.Ala824IlefsX11) results in a premature termination codon, predicted to cause absence of the protein due to nonsense mediated decay, which is a commonly known mechanism for disease. The variant allele was found at a frequency of 4e-06 in 249180 control chromosomes (gnomAD). c.2465_2468dupCATA has been reported in the literature in individuals affected with Leber Congenital Amaurosis (Skorczyk-Werner_2020, 2023). The following publications have been ascertained in the context of this evaluation (PMID: 33308271, 36369640). ClinVar contains an entry for this variant (Variation ID: 857229). Based on the evidence outlined above, the variant was classified as pathogenic.

Genome-Nilou Lab
Classification: Pathogenic for Leber congenital amaurosis 6. Last evaluated: 2021-11-07. Review status: criteria provided, single submitter. Criteria: ACMG Guidelines, 2015. Collection method: clinical testing. Allele origin: germline. Affected: no.

Genome-Nilou Lab
Classification: Pathogenic for Cone-rod dystrophy 13. Last evaluated: 2021-11-07. Review status: criteria provided, single submitter. Criteria: ACMG Guidelines, 2015. Collection method: clinical testing. Allele origin: germline. Affected: no.

Literature cited by the submitters: PubMed 11528500 (cited by Labcorp Genetics (formerly Invitae), Labcorp); PubMed 23105016 (cited by Labcorp Genetics (formerly Invitae), Labcorp); PubMed 33308271 (cited by Women's Health and Genetics/Laboratory Corporation of America, LabCorp); PubMed 36369640 (cited by Women's Health and Genetics/Laboratory Corporation of America, LabCorp).